The following is an entry in ClinVar:

NM_003664.5(AP3B1):c.2353G>C (p.Glu785Gln)

Gene: AP3B1 (adaptor related protein complex 3 subunit beta 1; minus strand). Cytogenetic location: 5q14.1.
Variant type: single nucleotide variant.
Coding change: c.2353G>C on transcript NM_003664.5 (MANE Select); coding-DNA position 2353, G replaced by C.
Protein change: p.Glu785Gln; replaces glutamic acid 785 with glutamine.
Molecular consequence: missense variant.
Genome position (GRCh38, 1-based): chr5:78,110,251, C>G on the plus strand (G>C on the coding strand, the complement: AP3B1 is on the minus strand). VCF-style: chr5-78110251-C-G. GRCh37 (hg19) VCF-style: chr5-77406075-C-G.
Other names: c.2206G>C, p.Glu736Gln (NM_001271769.2); c.2353G>C, p.Glu785Gln (NM_001410752.1); short protein forms E785Q, E736Q.
Identifiers: ClinVar variation 2191359 (VCV002191359.1), dbSNP rs200469464, ClinGen allele CA3316795.

ClinVar aggregate classification (germline): Uncertain significance (1 of 4 stars; one submission).

Conditions:
Hermansky-Pudlak syndrome 2 (HPS2). Also called: Platelet defects and oculocutaneous albinism. Identifiers: Orphanet 183678, Orphanet 79430, MedGen C1842362, MONDO:0011997, OMIM 608233.

Allele frequency attached by ClinVar (database versions not stated): gnomAD 0.00001; TOPMed 0.00001; ExAC 0.00002; gnomAD exomes 0.00002.
gnomAD v4.1: 30 of 1,608,678 alleles (0.0019%); highest among the groups gnomAD compares: Non-Finnish European, 0.0025%; no homozygotes.

Submission:

Labcorp Genetics (formerly Invitae), Labcorp
Classification: Uncertain significance for Hermansky-Pudlak syndrome 2. Last evaluated: 2022-04-09. Review status: criteria provided, single submitter. Criteria: Invitae Variant Classification Sherloc (09022015). Collection method: clinical testing. Allele origin: germline.
Comment: This sequence change replaces glutamic acid, which is acidic and polar, with glutamine, which is neutral and polar, at codon 785 of the AP3B1 protein (p.Glu785Gln). This variant is present in population databases (rs200469464, gnomAD 0.003%). This variant has not been reported in the literature in individuals affected with AP3B1-related conditions. Algorithms developed to predict the effect of missense changes on protein structure and function (SIFT, PolyPhen-2, Align-GVGD) all suggest that this variant is likely to be tolerated. In summary, the available evidence is currently insufficient to determine the role of this variant in disease. Therefore, it has been classified as a Variant of Uncertain Significance.